The following is an entry in ClinVar:

NM_004369.4(COL6A3):c.6880-228A>G

Gene: COL6A3 (collagen type VI alpha 3 chain; minus strand). Cytogenetic location: 2q37.3.
Variant type: single nucleotide variant.
Coding change: c.6880-228A>G on transcript NM_004369.4 (MANE Select); 228 bases into the intron before coding-DNA position 6880, A replaced by G.
Molecular consequence: intron variant.
Genome position (GRCh38, 1-based): chr2:237,348,891, T>C on the plus strand (A>G on the coding strand, the complement: COL6A3 is on the minus strand). VCF-style: chr2-237348891-T-C. GRCh37 (hg19) VCF-style: chr2-238257534-T-C.
Other names: c.5059-228A>G (NM_057166.5); c.6262-228A>G (NM_057167.4).
Identifiers: ClinVar variation 679531 (VCV000679531.1), dbSNP rs11889732, ClinGen allele CA67844941.

ClinVar aggregate classification (germline): Benign (1 of 4 stars; one submission).

Allele frequency attached by ClinVar (database versions not stated): gnomAD 0.01778 and 0.01887; TOPMed 0.02003; 1000 Genomes Project 0.02216; 1000 Genomes Project 30x 0.02467.
gnomAD v4.1: 2,685 of 152,272 alleles (1.8%); highest among the groups gnomAD compares: African/African-American, 6%; 88 homozygotes.

Submission:

GeneDx
Classification: Benign. Last evaluated: 2018-06-16. Review status: criteria provided, single submitter. Criteria: GeneDx Variant Classification (06012015). Collection method: clinical testing. Allele origin: germline. Affected: yes.
Comment: This variant is considered likely benign or benign based on one or more of the following criteria: it is a conservative change, it occurs at a poorly conserved position in the protein, it is predicted to be benign by multiple in silico algorithms, and/or has population frequency not consistent with disease.